The following is an entry in ClinVar:

NM_001005361.3(DNM2):c.2291+3C>T

Gene: DNM2 (dynamin 2; plus strand). Cytogenetic location: 19p13.2.
Variant type: single nucleotide variant.
Coding change: c.2291+3C>T on transcript NM_001005361.3 (MANE Select); 3 bases into the intron after coding-DNA position 2291, C replaced by T.
Molecular consequence: intron variant.
Genome position (GRCh38, 1-based): chr19:10,829,271, C>T. VCF-style: chr19-10829271-C-T. GRCh37 (hg19) VCF-style: chr19-10939947-C-T.
Other names: c.2291+3C>T (NM_001005360.3, NM_001190716.2); c.2279+3C>T (NM_004945.4, NM_001005362.3).
Identifiers: ClinVar variation 3639653 (VCV003639653.2).
Genomic context (GRCh38, chr19:10,829,271, plus strand): 5'-CCACGCCTGTACCCCCGCCTGTCGATGACACCTGGCTCCAGAGCGCCAGCAGCCACAGGT[C>T]CGGAAGCCTGGTTCCCCTACCCTCAAGCATTCGGCCTGCAGGTTCCTGCCCTCCCTGTGT-3'

ClinVar aggregate classification (germline): Uncertain significance (1 of 4 stars; one submission).

Conditions:
Charcot-Marie-Tooth disease dominant intermediate B (CMTDIB). Also called: CHARCOT-MARIE-TOOTH NEUROPATHY, DOMINANT INTERMEDIATE B; Charcot-Marie-Tooth disease dominant intermediate 1; CMT DI1; Charcot-Marie-Tooth disease dominant intermediate I. Identifiers: Orphanet 100044, Orphanet 228179, MedGen C1847902, MONDO:0011674, OMIM 606482.

Submission:

Labcorp Genetics (formerly Invitae), Labcorp
Classification: Uncertain significance for Charcot-Marie-Tooth disease dominant intermediate B. Last evaluated: 2024-02-08. Review status: criteria provided, single submitter. Criteria: Invitae Variant Classification Sherloc (09022015). Collection method: clinical testing. Allele origin: germline.
Comment: This sequence change falls in intron 19 of the DNM2 gene. It does not directly change the encoded amino acid sequence of the DNM2 protein. It affects a nucleotide within the consensus splice site. This variant is not present in population databases (gnomAD no frequency). This variant has not been reported in the literature in individuals affected with DNM2-related conditions. Variants that disrupt the consensus splice site are a relatively common cause of aberrant splicing (PMID: 17576681, 9536098). Algorithms developed to predict the effect of sequence changes on RNA splicing suggest that this variant is not likely to affect RNA splicing. In summary, the available evidence is currently insufficient to determine the role of this variant in disease. Therefore, it has been classified as a Variant of Uncertain Significance.

Literature cited by the submitters: PubMed 17576681; PubMed 9536098.